The following is an entry in ClinVar:

ClinVar aggregate classification (germline): Likely pathogenic (1 of 4 stars; one submission).

Submission:

Labcorp Genetics (formerly Invitae), Labcorp
Classification: Likely pathogenic. Last evaluated: 2024-11-16. Review status: criteria provided, single submitter. Criteria: Invitae Variant Classification Sherloc (09022015). Collection method: clinical testing. Allele origin: germline.
Comment: This sequence change affects a donor splice site in intron 11 of the SI gene. It is expected to disrupt RNA splicing. Variants that disrupt the donor or acceptor splice site typically lead to a loss of protein function (PMID: 16199547), and loss-of-function variants in SI are known to be pathogenic (PMID: 16329100, 23103650, 25452324). This variant is not present in population databases (gnomAD no frequency). This variant has not been reported in the literature in individuals affected with SI-related conditions. Algorithms developed to predict the effect of sequence changes on RNA splicing suggest that this variant may disrupt the consensus splice site. In summary, the currently available evidence indicates that the variant is pathogenic, but additional data are needed to prove that conclusively. Therefore, this variant has been classified as Likely Pathogenic.

Literature cited by the submitters: PubMed 16199547; PubMed 16329100; PubMed 23103650; PubMed 25452324.

NM_001041.4(SI):c.1278+2T>A

Gene: SI (sucrase-isomaltase; minus strand). Cytogenetic location: 3q26.1.
Variant type: single nucleotide variant.
Coding change: c.1278+2T>A on transcript NM_001041.4 (MANE Select); the canonical splice donor site of the intron after coding-DNA position 1278, T replaced by A.
Molecular consequence: splice donor variant.
Genome position (GRCh38, 1-based): chr3:165,059,166, A>T on the plus strand (T>A on the coding strand, the complement: SI is on the minus strand). VCF-style: chr3-165059166-A-T. GRCh37 (hg19) VCF-style: chr3-164776954-A-T.
Identifiers: ClinVar variation 3725415 (VCV003725415.2).